The following is an entry in ClinVar:

NM_206933.4(USH2A):c.1190T>A (p.Ile397Lys)

Gene: USH2A (usherin; minus strand). Cytogenetic location: 1q41.
Variant type: single nucleotide variant.
Coding change: c.1190T>A on transcript NM_206933.4 (MANE Select); coding-DNA position 1190, T replaced by A.
Protein change: p.Ile397Lys; replaces isoleucine 397 with lysine.
Molecular consequence: missense variant.
Genome position (GRCh38, 1-based): chr1:216,324,306, A>T on the plus strand (T>A on the coding strand, the complement: USH2A is on the minus strand). VCF-style: chr1-216324306-A-T. GRCh37 (hg19) VCF-style: chr1-216497648-A-T.
Other names: c.1190T>A, p.Ile397Lys (NM_007123.6); short protein forms I397K.
Identifiers: ClinVar variation 2679474 (VCV002679474.3), dbSNP rs2037684112, ClinGen allele CA344911963.

ClinVar aggregate classification (germline): Pathogenic/Likely pathogenic. Review status: criteria provided, multiple submitters, no conflicts (2 of 4 stars). 2 submissions from 2 submitters: Pathogenic (1); Likely pathogenic (1). Last evaluated 2024-03-07.

Conditions:
Retinitis pigmentosa 39 (RP39). Identifiers: Orphanet 791, MedGen C3151138, MONDO:0013436, OMIM 613809.

Submissions (2):

Baylor Genetics
Classification: Pathogenic for Retinitis pigmentosa 39. Last evaluated: 2024-03-07. Review status: criteria provided, single submitter. Criteria: ACMG Guidelines, 2015. Collection method: clinical testing. Allele origin: unknown.

3billion
Classification: Likely pathogenic for Retinitis pigmentosa 39. Last evaluated: 2024-01-23. Review status: criteria provided, single submitter. Criteria: ACMG Guidelines, 2015. Collection method: clinical testing. Allele origin: germline. Affected: yes.
Comment: The variant is not observed in the gnomAD v2.1.1 dataset. Predicted Consequence/Location: The majority of the known disease-causing variants of this gene are variants expected to result in premature termination of the protein. In silico tool predictions suggest damaging effect of the variant on gene or gene product [REVEL: 0.71 (>=0.6, sensitivity 0.68 and specificity 0.92)]. Same nucleotide change resulting in same amino acid change has been previously reported to be associated with USH2A related disorder (ClinVar ID: VCV002679474 /PMID: 29625443). The variant has been reported to be in trans with a pathogenic variant as either compound heterozygous or homozygous in at least one similarly affected unrelated individual (PMID: 29625443, 34721897). Therefore, this variant is classified as Likely pathogenic according to the recommendation of ACMG/AMP guideline.

Literature cited by the submitters: PubMed 29625443 (cited by 3billion); PubMed 34721897 (cited by 3billion).